The following is an entry in ClinVar:

NM_001018113.3(FANCB):c.679T>C (p.Tyr227His)

Gene: FANCB (FA complementation group B; minus strand). Cytogenetic location: Xp22.2.
Variant type: single nucleotide variant.
Coding change: c.679T>C on transcript NM_001018113.3 (MANE Select); coding-DNA position 679, T replaced by C.
Protein change: p.Tyr227His; replaces tyrosine 227 with histidine.
Molecular consequence: missense variant.
Genome position (GRCh38, 1-based): chrX:14,864,832, A>G on the plus strand (T>C on the coding strand, the complement: FANCB is on the minus strand). VCF-style: chrX-14864832-A-G. GRCh37 (hg19) VCF-style: chrX-14882954-A-G.
Other names: c.679T>C, p.Tyr227His (NM_001324162.2, NM_152633.4); c.679T>C (NM_001018113.2); short protein forms Y227H.
Identifiers: ClinVar variation 1045890 (VCV001045890.8), dbSNP rs1398803909, ClinGen allele CA412443951.
Genomic context (GRCh38, chrX:14,864,832, plus strand): 5'-TCTCAGTTGCACAAATATGTACATAAGTCACCACACTGCTGTAAGCAGGAGGAATAATGT[A>G]TATATCACTTAATACTTCTTGACTTTCAAGAGAATATACACAAAATTTGGTATTCCAAAT-3'
Protein context (NP_001018123.1, residues 217-237): LESQEVLSDI[Tyr227His]IIPPAYSSVV

ClinVar aggregate classification (germline): Uncertain significance. Review status: criteria provided, multiple submitters, no conflicts (2 of 4 stars). 3 submissions from 3 submitters: Uncertain significance (3). Last evaluated 2024-01-04.

Conditions:
Fanconi anemia (FA). Also called: Fanconi's anemia. Identifiers: Orphanet 84, MedGen C0015625, MeSH D005199, MONDO:0019391.
FANCB-related disorder. Also called: FANCB-related condition.

Allele frequency attached by ClinVar (database versions not stated): gnomAD exomes below 0.00001 and 0.00001; TOPMed below 0.00001; gnomAD 0.00002 and 0.00003.

Submissions (3):

Labcorp Genetics (formerly Invitae), Labcorp
Classification: Uncertain significance for Fanconi anemia. Last evaluated: 2024-01-04. Review status: criteria provided, single submitter. Criteria: Invitae Variant Classification Sherloc (09022015). Collection method: clinical testing. Allele origin: germline.
Comment: This sequence change replaces tyrosine, which is neutral and polar, with histidine, which is basic and polar, at codon 227 of the FANCB protein (p.Tyr227His). This variant is present in population databases (no rsID available, gnomAD 0.01%). This variant has not been reported in the literature in individuals affected with FANCB-related conditions. ClinVar contains an entry for this variant (Variation ID: 1045890). Advanced modeling of protein sequence and biophysical properties (such as structural, functional, and spatial information, amino acid conservation, physicochemical variation, residue mobility, and thermodynamic stability) has been performed at Invitae for this missense variant, however the output from this modeling did not meet the statistical confidence thresholds required to predict the impact of this variant on FANCB protein function. In summary, the available evidence is currently insufficient to determine the role of this variant in disease. Therefore, it has been classified as a Variant of Uncertain Significance.

PreventionGenetics, part of Exact Sciences
Classification: Uncertain significance for FANCB-related condition. Last evaluated: 2023-07-24. Review status: criteria provided, single submitter. Criteria: ACMG Guidelines, 2015. Collection method: clinical testing. Allele origin: germline.
Comment: The FANCB c.679T>C variant is predicted to result in the amino acid substitution p.Tyr227His. To our knowledge, this variant has not been reported in the literature. This variant is reported in 0.011% of alleles in individuals of Latino descent in gnomAD. At this time, the clinical significance of this variant is uncertain due to the absence of conclusive functional and genetic evidence.

Sema4
Classification: Uncertain significance for Fanconi anemia. Last evaluated: 2021-10-04. Review status: criteria provided, single submitter. Criteria: Sema4 Curation Guidelines. Collection method: curation. Allele origin: germline.
Comment: The FANCB c.679T>C (p.Y227H) variant has not been reported in literature to our knowledge. This variant was observed in 3/28040 chromosomes in the Latino population according to the Genome Aggregation Database (PMID: 32461654). This variant has been reported in ClinVar (Variation ID 1045890). Functional studies have not been performed, and in silico predictions of the variant's effect on protein function are inconclusive. The overall evidence is insufficient to meet ACMG/AMP criteria for classifying it as benign or pathogenic. In summary, the clinical significance of this variant is currently uncertain.